The following is an entry in ClinVar:

ClinVar aggregate classification (germline): Uncertain significance. Review status: criteria provided, multiple submitters, no conflicts (2 of 4 stars). 2 submissions from 2 submitters: Uncertain significance (2). Last evaluated 2026-01-21.

Conditions:
NCOA1-related disorder. Also called: NCOA1-related condition.

gnomAD v4.1: 5 of 1,614,016 alleles (0.00031%); highest among the groups gnomAD compares: Non-Finnish European, 0.00017%; no homozygotes.

Submissions (2):

PreventionGenetics, part of Exact Sciences
Classification: Uncertain significance for NCOA1-related condition. Last evaluated: 2026-01-21. Review status: criteria provided, single submitter. Criteria: ACMG Guidelines, 2015. Collection method: clinical testing. Allele origin: germline.
Comment: The NCOA1 c.3653G>T variant is predicted to result in the amino acid substitution p.Gly1218Val. To our knowledge, this variant has not been reported in the literature. This variant is reported in 0.00088% of alleles in individuals of European (non-Finnish) descent in gnomAD. At this time, the clinical significance of this variant is uncertain due to the absence of conclusive functional and genetic evidence.

Ambry Genetics
Classification: Uncertain significance. Last evaluated: 2025-11-03. Review status: criteria provided, single submitter. Criteria: Ambry Variant Classification Scheme 2023. Collection method: clinical testing. Allele origin: germline.

NM_003743.5(NCOA1):c.3653G>T (p.Gly1218Val)

Gene: NCOA1 (nuclear receptor coactivator 1; plus strand). Cytogenetic location: 2p23.3.
Variant type: single nucleotide variant.
Coding change: c.3653G>T on transcript NM_003743.5 (MANE Select); coding-DNA position 3653, G replaced by T.
Protein change: p.Gly1218Val; replaces glycine 1218 with valine.
Molecular consequence: missense variant.
Genome position (GRCh38, 1-based): chr2:24,742,133, G>T. VCF-style: chr2-24742133-G-T. GRCh37 (hg19) VCF-style: chr2-24965002-G-T.
Other names: c.3653G>T, p.Gly1218Val (NM_001362950.1, NM_001362952.1, NM_001362954.1 and 3 more transcripts); short protein forms G1218V.
Identifiers: ClinVar variation 4556373 (VCV004556373.2).
Genomic context (GRCh38, chr2:24,742,133, plus strand): 5'-TGGCCAACCGCAACAGCATGGTGAGCAGAGGCATGACAGGAAACATAGGAGGACAGTTTG[G>T]CACTGGAATCAATCCTCAGATGCAGCAGAATGTCTTCCAGTATCCAGGAGCAGGTAGGAA-3'
Protein context (NP_003734.3, residues 1208-1228): GMTGNIGGQF[Gly1218Val]TGINPQMQQN